The following is an entry in ClinVar:

NM_004132.5(HABP2):c.448+14G>A

Gene: HABP2 (hyaluronan binding protein 2; plus strand). Cytogenetic location: 10q25.3.
Variant type: single nucleotide variant.
Coding change: c.448+14G>A on transcript NM_004132.5 (MANE Select); 14 bases into the intron after coding-DNA position 448, G replaced by A.
Molecular consequence: intron variant.
Genome position (GRCh38, 1-based): chr10:113,577,280, G>A. VCF-style: chr10-113577280-G-A. GRCh37 (hg19) VCF-style: chr10-115337039-G-A.
Other names: c.370+14G>A (NM_001177660.3).
Identifiers: ClinVar variation 877810 (VCV000877810.4), dbSNP rs7086974, ClinGen allele CA5693613.

ClinVar aggregate classification (germline): Likely benign (1 of 4 stars; one submission).

Conditions:
Factor VII-activating protease marburg I. Identifiers: MedGen CN068943.

Allele frequency attached by ClinVar (database versions not stated): gnomAD exomes 0.00036 and 0.00078; ExAC 0.00103; 1000 Genomes Project 30x 0.00219; 1000 Genomes Project 0.00220; gnomAD 0.00371 and 0.00412; ESP Exome Variant Server 0.00415; TOPMed 0.00417.
gnomAD v4.1: 993 of 1,345,604 alleles (0.074%); highest among the groups gnomAD compares: African/African-American, 1.3%; 7 homozygotes.

Submission:

Illumina Laboratory Services, Illumina
Classification: Likely benign for Factor VII Marburg I Variant Thrombophilia. Last evaluated: 2018-01-13. Review status: criteria provided, single submitter. Criteria: ICSL Variant Classification Criteria 13 December 2019. Collection method: clinical testing. Allele origin: germline.
Comment: This variant was observed in the ICSL laboratory as part of a predisposition screen in an ostensibly healthy population. It had not been previously curated by ICSL or reported in the Human Gene Mutation Database (HGMD: prior to June 1st, 2018), and was therefore a candidate for classification through an automated scoring system. Utilizing variant allele frequency, disease prevalence and penetrance estimates, and inheritance mode, an automated score was calculated to assess if this variant is too frequent to cause the disease. Based on the score and internal cut-off values, a variant classified as likely benign is not then subjected to further curation. The score for this variant resulted in a classification of likely benign for this disease.